The following is an entry in ClinVar:

ClinVar aggregate classification (germline): Pathogenic (0 of 4 stars; one submission).

Conditions:
GLI3-related disorder. Also called: GLI3-related condition; GLI3-related disorders. Identifiers: MedGen CN239292.

Submission:

PreventionGenetics, part of Exact Sciences
Classification: Pathogenic for GLI3-related condition. Last evaluated: 2024-03-09. Review status: no assertion criteria provided. Collection method: clinical testing. Allele origin: germline.
Comment: The GLI3 c.2054dupA variant is predicted to result in a frameshift and premature protein termination (p.Arg686Alafs*52). This variant was reported in two individuals with polydactyly (Table S1, Baas et al 2021. PubMed ID: 32591344). This variant has not been reported in a large population database, indicating this variant is rare. Frameshift variants in GLI3 are expected to be pathogenic. This variant is interpreted as pathogenic.

NM_000168.6(GLI3):c.2054dup (p.Arg686fs)

Gene: GLI3 (GLI family zinc finger 3; minus strand). Cytogenetic location: 7p14.1.
Variant type: Duplication.
Coding change: c.2054dup on transcript NM_000168.6 (MANE Select); coding-DNA position 2054, one base duplicated (A; older notation c.2054dupA).
Protein change: p.Arg686fs; shifts the reading frame from arginine 686.
Molecular consequence: frameshift variant.
Genome position (GRCh38, 1-based): chr7:41,972,386, T duplicated on the plus strand (A on the coding strand, the reverse complement: GLI3 is on the minus strand); the first of 3 consecutive T bases (chr7:41,972,386-41,972,388); duplicating any one gives the same sequence. VCF-style (leftmost placement, unchanged base first): chr7-41972385-C-CT. GRCh37 (hg19) VCF-style: chr7-42011984-C-CT.
Other names: short protein forms R686fs.
Identifiers: ClinVar variation 3348955 (VCV003348955.1).